The following is an entry in ClinVar:

NM_015335.5(MED13L):c.4691C>T (p.Pro1564Leu)

Gene: MED13L (mediator complex subunit 13L; minus strand). Cytogenetic location: 12q24.21.
Variant type: single nucleotide variant.
Coding change: c.4691C>T on transcript NM_015335.5 (MANE Select); coding-DNA position 4691, C replaced by T.
Protein change: p.Pro1564Leu; replaces proline 1564 with leucine.
Molecular consequence: missense variant.
Genome position (GRCh38, 1-based): chr12:115,983,381, G>A on the plus strand (C>T on the coding strand, the complement: MED13L is on the minus strand). VCF-style: chr12-115983381-G-A. GRCh37 (hg19) VCF-style: chr12-116421186-G-A.
Other names: short protein forms P1564L.
Identifiers: ClinVar variation 800215 (VCV000800215.25), dbSNP rs112709561, ClinGen allele CA6810747.

ClinVar aggregate classification (germline): Benign/Likely benign. Review status: criteria provided, multiple submitters, no conflicts (2 of 4 stars). 8 submissions from 8 submitters: Benign (1); Likely benign (5). 2 of the submissions do not count toward it. Last evaluated 2025-12-29.

Conditions:
Inborn genetic diseases. Identifiers: MedGen C0950123, MeSH D030342.
Cardiac anomalies - developmental delay - facial dysmorphism syndrome (MRFACD). Also called: Impaired intellectual development and distinctive facial features with or without cardiac defects; MED13L Syndrome. Identifiers: Orphanet 369891, MedGen C5192431, MONDO:0014773, OMIM 616789.
Dextro-looped transposition of the great arteries. Also called: Dextrotransposition of the great arteries. Identifiers: Orphanet 860, MedGen C3531771, MONDO:0019443, OMIM 608808, HP:0031348.

Allele frequency attached by ClinVar (database versions not stated): gnomAD 0.00038 and 0.00041; gnomAD exomes 0.00038 and 0.00072; ExAC 0.00040; TOPMed 0.00040; ESP Exome Variant Server 0.00092.
gnomAD v4.1: 1,099 of 1,614,060 alleles (0.068%); highest among the groups gnomAD compares: Non-Finnish European, 0.09%; 1 homozygote.

Submissions (8):

Labcorp Genetics (formerly Invitae), Labcorp
Classification: Likely benign for Dextro-looped transposition of the great arteries. Last evaluated: 2025-12-29. Review status: criteria provided, single submitter. Criteria: Invitae Variant Classification Sherloc (09022015). Collection method: clinical testing. Allele origin: germline.

CeGaT Center for Human Genetics Tuebingen
Classification: Likely benign. Last evaluated: 2025-09-01. Review status: criteria provided, single submitter. Criteria: CeGaT Center For Human Genetics Tuebingen Variant Classification Criteria Version 2. Collection method: clinical testing. Allele origin: germline. Affected: yes. Observed: 1 variant allele.
Comment: MED13L: BP4

Blueprint Genetics
Classification: Likely benign. Last evaluated: 2024-09-06. Review status: criteria provided, single submitter. Criteria: ACMG Guidelines, 2015. Collection method: clinical testing. Allele origin: germline.

Ambry Genetics
Classification: Likely benign for Inborn genetic diseases. Last evaluated: 2021-08-02. Review status: criteria provided, single submitter. Criteria: Ambry Variant Classification Scheme 2023. Collection method: clinical testing. Allele origin: germline.

Victorian Clinical Genetics Services, Murdoch Childrens Research Institute
Classification: Likely benign for Cardiac anomalies - developmental delay - facial dysmorphism syndrome. Last evaluated: 2021-05-06. Review status: criteria provided, single submitter. Criteria: ACMG Guidelines, 2015. Collection method: clinical testing. Allele origin: germline. Inheritance: Autosomal dominant inheritance.
Comment: Based on the classification scheme VCGS_Germline_v1.1.1, this variant is classified as Likely Benign. Following criteria are met: 0102 - Loss-of-function is a known mechanism of disease for this gene. (N) 0107 - This gene is known to be associated with autosomal dominant disease. (N) 0200 - Variant is predicted to result in a missense amino acid change from proline to leucine (exon 21). (N) 0251 - Variant is heterozygous. (N) 0302 - Variant is present in gnomAD (v2) <0.001 for a dominant condition (106 heterozygotes, 0 homozygotes). (P) 0309 - An alternative amino acid change at the same position has been observed in gnomAD (v3) (1 heterozygote, 0 homozygotes). (N) 0503 - Missense variant consistently predicted to be tolerated or not conserved in mammals with a minor amino acid change. (B) 0600 - Variant is located in an annotated domain or motif (MID domain of medPIWI (NCBI, PDB). (N) 0705 - No comparable variants have previous evidence for pathogenicity. (N) 0806 - Moderate previous evidence of neutrality in unrelated individuals. The variant has previously been classified as likely benign (ClinVar, LOVD). (B) 0905 - No segregation evidence has been identified for this variant. (N) 1007 - No published functional evidence has been identified for this variant. (N) 1208 - Inheritance information for this variant is not currently available. (N) Legend: (P) - Pathogenic, (N) - Neutral, (B) - Benign

GeneDx
Classification: Benign. Last evaluated: 2020-02-03. Review status: criteria provided, single submitter. Criteria: GeneDx Variant Classification Process June 2021. Collection method: clinical testing. Allele origin: germline. Affected: yes.

Genome Diagnostics Laboratory, University Medical Center Utrecht
Classification: Likely benign. Review status: no assertion criteria provided. Collection method: clinical testing. Allele origin: germline. Affected: yes. Study: VKGL Data-share Consensus. Not counted in ClinVar's aggregate classification.

Laboratory of Diagnostic Genome Analysis, Leiden University Medical Center (LUMC)
Classification: Likely benign. Review status: no assertion criteria provided. Collection method: clinical testing. Allele origin: germline. Affected: yes. Study: VKGL Data-share Consensus. Not counted in ClinVar's aggregate classification.